The following is an entry in ClinVar:

NM_153006.3(NAGS):c.110G>A (p.Arg37Gln)

Gene: NAGS (N-acetylglutamate synthase; plus strand). Cytogenetic location: 17q21.31.
Variant type: single nucleotide variant.
Coding change: c.110G>A on transcript NM_153006.3 (MANE Select); coding-DNA position 110, G replaced by A.
Protein change: p.Arg37Gln; replaces arginine 37 with glutamine.
Molecular consequence: missense variant.
Genome position (GRCh38, 1-based): chr17:44,004,773, G>A. VCF-style: chr17-44004773-G-A. GRCh37 (hg19) VCF-style: chr17-42082141-G-A.
Other names: short protein forms R37Q.
Identifiers: ClinVar variation 1930500 (VCV001930500.2), dbSNP rs956914015, ClinGen allele CA399736827.
Genomic context (GRCh38, chr17:44,004,773, plus strand): 5'-CGAGGCTGAGAGGCCGGGGAGGCACTGGGGGCGCCCGAAGGCTGAGCTGTGGCGCGCGGC[G>A]GCGGGCGGCGAGGGGCACCAGCCCGGGGCGCCGGCTCAGCACCGCCTGGTCGCAGCCCCA-3'
Protein context (NP_694551.1, residues 27-47): GARRLSCGAR[Arg37Gln]RAARGTSPGR

ClinVar aggregate classification (germline): Uncertain significance (1 of 4 stars; one submission).

Conditions:
Hyperammonemia, type III (NAGSD). Also called: Hyperammonemia due to N-acetylglutamate synthase deficiency. Identifiers: Orphanet 927, MedGen C0268543, MONDO:0009377, OMIM 237310.

Submission:

Labcorp Genetics (formerly Invitae), Labcorp
Classification: Uncertain significance for Hyperammonemia, type III. Last evaluated: 2022-05-13. Review status: criteria provided, single submitter. Criteria: Invitae Variant Classification Sherloc (09022015). Collection method: clinical testing. Allele origin: germline.
Comment: This sequence change replaces arginine, which is basic and polar, with glutamine, which is neutral and polar, at codon 37 of the NAGS protein (p.Arg37Gln). This variant is not present in population databases (gnomAD no frequency). This variant has not been reported in the literature in individuals affected with NAGS-related conditions. Algorithms developed to predict the effect of missense changes on protein structure and function output the following: SIFT: "Tolerated"; PolyPhen-2: "Benign"; Align-GVGD: "Class C0". The glutamine amino acid residue is found in multiple mammalian species, which suggests that this missense change does not adversely affect protein function. Algorithms developed to predict the effect of sequence changes on RNA splicing suggest that this variant may create or strengthen a splice site. In summary, the available evidence is currently insufficient to determine the role of this variant in disease. Therefore, it has been classified as a Variant of Uncertain Significance.